The following is an entry in ClinVar:

ClinVar aggregate classification (germline): Uncertain significance. Review status: criteria provided, multiple submitters, no conflicts (2 of 4 stars). 4 submissions from 4 submitters: Uncertain significance (4). Last evaluated 2025-10-01.

Conditions:
Hepatic veno-occlusive disease-immunodeficiency syndrome. Also called: Hepatic Veno-Occlusive Disease with Immunodeficiency. Identifiers: Orphanet 79124, MedGen C1856128, MONDO:0009338, OMIM 235550. Disease mechanism: loss of function.
Inborn genetic diseases. Identifiers: MedGen C0950123, MeSH D030342.

Allele frequency attached by ClinVar (database versions not stated): TOPMed 0.00002; gnomAD exomes 0.00003 and 0.00006; gnomAD 0.00004 and 0.00005; ExAC 0.00007; ESP Exome Variant Server 0.00008; 1000 Genomes Project 30x 0.00016; 1000 Genomes Project 0.00020.
gnomAD v4.1: 57 of 1,612,740 alleles (0.0035%); highest among the groups gnomAD compares: Middle Eastern, 0.05%; no homozygotes.

Submissions (4):

CeGaT Center for Human Genetics Tuebingen
Classification: Uncertain significance. Last evaluated: 2025-10-01. Review status: criteria provided, single submitter. Criteria: CeGaT Center For Human Genetics Tuebingen Variant Classification Criteria Version 2. Collection method: clinical testing. Allele origin: germline. Affected: yes. Observed: 1 variant allele.
Comment: SP110: PM2, BP4

Ambry Genetics
Classification: Uncertain significance for Inborn genetic diseases. Last evaluated: 2024-11-08. Review status: criteria provided, single submitter. Criteria: Ambry Variant Classification Scheme 2023. Collection method: clinical testing. Allele origin: germline.

Labcorp Genetics (formerly Invitae), Labcorp
Classification: Uncertain significance for Hepatic veno-occlusive disease-immunodeficiency syndrome. Last evaluated: 2023-11-07. Review status: criteria provided, single submitter. Criteria: Invitae Variant Classification Sherloc (09022015). Collection method: clinical testing. Allele origin: germline.
Comment: This sequence change replaces leucine, which is neutral and non-polar, with proline, which is neutral and non-polar, at codon 661 of the SP110 protein (p.Leu661Pro). This variant is present in population databases (rs114501363, gnomAD 0.01%). This variant has not been reported in the literature in individuals affected with SP110-related conditions. ClinVar contains an entry for this variant (Variation ID: 334892). Algorithms developed to predict the effect of missense changes on protein structure and function output the following: SIFT: "Not Available"; PolyPhen-2: "Probably Damaging"; Align-GVGD: "Not Available". The proline amino acid residue is found in multiple mammalian species, which suggests that this missense change does not adversely affect protein function. In summary, the available evidence is currently insufficient to determine the role of this variant in disease. Therefore, it has been classified as a Variant of Uncertain Significance.

Illumina Laboratory Services, Illumina
Classification: Uncertain significance for Hepatic veno-occlusive disease-immunodeficiency syndrome. Last evaluated: 2018-01-13. Review status: criteria provided, single submitter. Criteria: ICSL Variant Classification Criteria 13 December 2019. Collection method: clinical testing. Allele origin: germline.

NM_080424.4(SP110):c.2054T>C (p.Leu685Pro)

Gene: SP110 (SP110 nuclear body protein; minus strand). Cytogenetic location: 2q37.1.
Variant type: single nucleotide variant.
Coding change: c.2054T>C on transcript NM_080424.4 (MANE Select); coding-DNA position 2054, T replaced by C.
Protein change: p.Leu685Pro; replaces leucine 685 with proline.
Molecular consequence: missense variant.
Genome position (GRCh38, 1-based): chr2:230,169,212, A>G on the plus strand (T>C on the coding strand, the complement: SP110 is on the minus strand). VCF-style: chr2-230169212-A-G. GRCh37 (hg19) VCF-style: chr2-231033928-A-G.
Other names: c.2150T>C, p.Leu717Pro (NM_001378442.1); c.2132T>C, p.Leu711Pro (NM_001378443.1); c.2072T>C, p.Leu691Pro (NM_001378444.1); c.2000T>C, p.Leu667Pro (NM_001378445.1); c.1859T>C, p.Leu620Pro (NM_001378446.1); c.1982T>C, p.Leu661Pro (NM_004509.5); short protein forms L685P, L661P, L620P, L667P, L691P, L711P, L717P.
Identifiers: ClinVar variation 334892 (VCV000334892.18), dbSNP rs114501363, ClinGen allele CA2154249.